The following is an entry in ClinVar:

ClinVar aggregate classification (germline): Likely pathogenic (1 of 4 stars; one submission).

Conditions:
PURA-related severe neonatal hypotonia-seizures-encephalopathy syndrome due to a point mutation. Identifiers: Orphanet 438216, MedGen CN924912, MONDO:0014512.

Submission:

Broad Center for Mendelian Genomics, Broad Institute of MIT and Harvard
Classification: Likely pathogenic for PURA-related severe neonatal hypotonia-seizures-encephalopathy syndrome due to a point mutation. Last evaluated: 2023-05-02. Review status: criteria provided, single submitter. Criteria: ACMG Guidelines, 2015. Collection method: curation. Allele origin: germline. Inheritance: Autosomal dominant inheritance.
Comment: Trio exome analysis showed this variant to be de novo. The p.Gly92ProfsTer90 variant in PURA has not been previously reported in individuals with neurodevelopmental disorder with neonatal respiratory insufficiency, hypotonia, and feeding difficulties. This variant was absent from large population studies. This variant is predicted to cause a frameshift, which alters the protein‚Äôs amino acid sequence beginning at position 92 and leads to a premature termination codon 90 amino acids downstream. This gene is a single exon gene and is more likely to escape nonsense mediated decay (NMD) and result in a truncated protein. Heterozygous loss of function of the PURA gene is an established disease mechanism in autosomal dominant neurodevelopmental disorder with neonatal respiratory insufficiency, hypotonia, and feeding difficulties. In summary, although additional studies are required to fully establish its clinical significance, this variant is likely pathogenic for autosomal dominant neurodevelopmental disorder with neonatal respiratory insufficiency, hypotonia, and feeding difficulties. ACMG/AMP Criteria applied: PVS1_Strong, PS2_Moderate, PM2_Supporting (Richards 2015).

NM_005859.5(PURA):c.273_328del (p.Gly92fs)

Gene: PURA (purine rich element binding protein A; plus strand). Cytogenetic location: 5q31.3.
Variant type: Deletion.
Coding change: c.273_328del on transcript NM_005859.5 (MANE Select); coding-DNA positions 273 to 328, 56 bases deleted.
Protein change: p.Gly92fs; shifts the reading frame from glycine 92.
Molecular consequence: frameshift variant.
Genome position (GRCh38, 1-based): chr5:140,114,454-140,114,509, 56 bases deleted. GRCh37 (hg19): chr5:139,494,039-139,494,094.
Other names: NM_005859.5:c.273_328del; short protein forms G92fs.
Identifiers: ClinVar variation 2500903 (VCV002500903.1), dbSNP rs2479504660, ClinGen allele CA2573335078.